The following is an entry in ClinVar:

NM_007194.4(CHEK2):c.1464T>G (p.Asp488Glu)

Gene: CHEK2 (checkpoint kinase 2; minus strand). Cytogenetic location: 22q12.1.
Variant type: single nucleotide variant.
Coding change: c.1464T>G on transcript NM_007194.4 (MANE Select); coding-DNA position 1464, T replaced by G.
Protein change: p.Asp488Glu; replaces aspartic acid 488 with glutamic acid.
Molecular consequence: missense variant.
Genome position (GRCh38, 1-based): chr22:28,689,213, A>C on the plus strand (T>G on the coding strand, the complement: CHEK2 is on the minus strand). VCF-style: chr22-28689213-A-C. GRCh37 (hg19) VCF-style: chr22-29085201-A-C.
Other names: c.1593T>G, p.Asp531Glu (NM_001005735.3); c.801T>G, p.Asp267Glu (NM_001257387.3); c.1263T>G, p.Asp421Glu (NM_001349956.3); c.1377T>G, p.Asp459Glu (NM_145862.3); short protein forms D459E, D531E, D421E, D267E, D488E.
Identifiers: ClinVar variation 1773225 (VCV001773225.6), dbSNP rs1439502759, ClinGen allele CA411092752.

ClinVar aggregate classification (germline): Uncertain significance. Review status: criteria provided, multiple submitters, no conflicts (2 of 4 stars). 2 submissions from 2 submitters: Uncertain significance (2). Last evaluated 2025-10-28.

Conditions:
Hereditary cancer-predisposing syndrome. Also called: Hereditary Cancer Syndrome; Hereditary neoplastic syndrome; Neoplastic Syndromes, Hereditary; Tumor predisposition. Identifiers: Orphanet 140162, MedGen C0027672, MeSH D009386, MONDO:0015356.
Familial cancer of breast. Also called: BREAST CANCER, FAMILIAL; Hereditary breast cancer; hereditary breast carcinoma. Identifiers: Orphanet 227535, MedGen C0346153, MONDO:0016419, OMIM 114480. Disease mechanism: loss of function.

Submissions (2):

Ambry Genetics
Classification: Uncertain significance for Hereditary cancer-predisposing syndrome. Last evaluated: 2025-10-28. Review status: criteria provided, single submitter. Criteria: Ambry Variant Classification Scheme 2023. Collection method: clinical testing. Allele origin: germline.
Comment: The p.D488E variant (also known as c.1464T>G), located in coding exon 13 of the CHEK2 gene, results from a T to G substitution at nucleotide position 1464. The aspartic acid at codon 488 is replaced by glutamic acid, an amino acid with highly similar properties. This amino acid position is highly conserved in available vertebrate species. In addition, this alteration is predicted to be tolerated by in silico analysis. Since supporting evidence is limited at this time, the clinical significance of this alteration remains unclear.

Labcorp Genetics (formerly Invitae), Labcorp
Classification: Uncertain significance for Familial cancer of breast. Last evaluated: 2024-01-28. Review status: criteria provided, single submitter. Criteria: Invitae Variant Classification Sherloc (09022015). Collection method: clinical testing. Allele origin: germline.
Comment: This sequence change replaces aspartic acid, which is acidic and polar, with glutamic acid, which is acidic and polar, at codon 488 of the CHEK2 protein (p.Asp488Glu). This variant is not present in population databases (gnomAD no frequency). This variant has not been reported in the literature in individuals affected with CHEK2-related conditions. ClinVar contains an entry for this variant (Variation ID: 1773225). An algorithm developed to predict the effect of missense changes on protein structure and function (PolyPhen-2) suggests that this variant is likely to be tolerated. In summary, the available evidence is currently insufficient to determine the role of this variant in disease. Therefore, it has been classified as a Variant of Uncertain Significance.